The following is an entry in ClinVar:

NM_000081.4(LYST):c.3703C>A (p.Gln1235Lys)

Gene: LYST (lysosomal trafficking regulator; minus strand). Cytogenetic location: 1q42.3.
Variant type: single nucleotide variant.
Coding change: c.3703C>A on transcript NM_000081.4 (MANE Select); coding-DNA position 3703, C replaced by A.
Protein change: p.Gln1235Lys; replaces glutamine 1235 with lysine.
Molecular consequence: missense variant.
Genome position (GRCh38, 1-based): chr1:235,802,917, G>T on the plus strand (C>A on the coding strand, the complement: LYST is on the minus strand). VCF-style: chr1-235802917-G-T. GRCh37 (hg19) VCF-style: chr1-235966217-G-T.
Other names: c.3703C>A, p.Gln1235Lys (NM_001301365.1); short protein forms Q1235K.
Identifiers: ClinVar variation 855539 (VCV000855539.7), dbSNP rs2527036192, ClinGen allele CA344946350.

ClinVar aggregate classification (germline): Uncertain significance (1 of 4 stars; one submission).

Conditions:
Chédiak-Higashi syndrome (CHS). Also called: Chediak-Higashi Syndrome. Identifiers: Orphanet 167, MedGen C0007965, MONDO:0008963, OMIM 214500.

Submission:

Labcorp Genetics (formerly Invitae), Labcorp
Classification: Uncertain significance for Chédiak-Higashi syndrome. Last evaluated: 2023-12-19. Review status: criteria provided, single submitter. Criteria: Invitae Variant Classification Sherloc (09022015). Collection method: clinical testing. Allele origin: germline.
Comment: This sequence change replaces glutamine, which is neutral and polar, with lysine, which is basic and polar, at codon 1235 of the LYST protein (p.Gln1235Lys). This variant is not present in population databases (gnomAD no frequency). This variant has not been reported in the literature in individuals affected with LYST-related conditions. ClinVar contains an entry for this variant (Variation ID: 855539). Advanced modeling of protein sequence and biophysical properties (such as structural, functional, and spatial information, amino acid conservation, physicochemical variation, residue mobility, and thermodynamic stability) performed at Invitae indicates that this missense variant is not expected to disrupt LYST protein function with a negative predictive value of 80%. In summary, the available evidence is currently insufficient to determine the role of this variant in disease. Therefore, it has been classified as a Variant of Uncertain Significance.